The following is an entry in ClinVar:

ClinVar aggregate classification (germline): Uncertain significance (1 of 4 stars; one submission).

Conditions:
Menkes kinky-hair syndrome (MNK). Also called: Menkes Disease; Copper transport disease; Classic Menkes Disease. Identifiers: Orphanet 565, MedGen C0022716, MONDO:0010651, OMIM 309400.
Cutis laxa, X-linked (OHS). Also called: EDS IX; Occipital horn syndrome. Identifiers: Orphanet 198, MedGen C0268353, MONDO:0010572, OMIM 304150.
X-linked distal spinal muscular atrophy type 3. Also called: ATP7A-Related Distal Motor Neuropathy; SPINAL MUSCULAR ATROPHY, DISTAL, X-LINKED RECESSIVE; NEURONOPATHY, DISTAL HEREDITARY MOTOR, X-LINKED; NEUROPATHY, DISTAL HEREDITARY MOTOR, X-LINKED. Identifiers: Orphanet 139557, MedGen C1845359, MONDO:0010338, OMIM 300489.

Submission:

Labcorp Genetics (formerly Invitae), Labcorp
Classification: Uncertain significance for X-linked distal spinal muscular atrophy type 3; Cutis laxa, X-linked; Menkes kinky-hair syndrome. Last evaluated: 2025-05-14. Review status: criteria provided, single submitter. Criteria: Invitae Variant Classification Sherloc (09022015). Collection method: clinical testing. Allele origin: germline.
Comment: This sequence change replaces isoleucine, which is neutral and non-polar, with valine, which is neutral and non-polar, at codon 399 of the ATP7A protein (p.Ile399Val). This variant is not present in population databases (gnomAD no frequency). This variant has not been reported in the literature in individuals affected with ATP7A-related conditions. Invitae Evidence Modeling of protein sequence and biophysical properties (such as structural, functional, and spatial information, amino acid conservation, physicochemical variation, residue mobility, and thermodynamic stability) indicates that this missense variant is not expected to disrupt ATP7A protein function with a negative predictive value of 95%. In summary, the available evidence is currently insufficient to determine the role of this variant in disease. Therefore, it has been classified as a Variant of Uncertain Significance.

NM_000052.7(ATP7A):c.1195A>G (p.Ile399Val)

Gene: ATP7A (ATPase copper transporting alpha; plus strand). Cytogenetic location: Xq21.1.
Variant type: single nucleotide variant.
Coding change: c.1195A>G on transcript NM_000052.7 (MANE Select); coding-DNA position 1195, A replaced by G.
Protein change: p.Ile399Val; replaces isoleucine 399 with valine.
Molecular consequence: missense variant.
Genome position (GRCh38, 1-based): chrX:77,989,817, A>G. VCF-style: chrX-77989817-A-G. GRCh37 (hg19) VCF-style: chrX-77245313-A-G.
Other names: c.1195A>G, p.Ile399Val (NM_001282224.2); short protein forms I399V.
Identifiers: ClinVar variation 4789439 (VCV004789439.1).